The following is an entry in ClinVar:

ClinVar aggregate classification (germline): Uncertain significance (1 of 4 stars; one submission).

Conditions:
Hereditary nonpolyposis colorectal neoplasms. Identifiers: MedGen C0009405, MeSH D003123.

Submission:

Labcorp Genetics (formerly Invitae), Labcorp
Classification: Uncertain significance for Hereditary nonpolyposis colorectal neoplasms. Last evaluated: 2021-02-15. Review status: criteria provided, single submitter. Criteria: Invitae Variant Classification Sherloc (09022015). Collection method: clinical testing. Allele origin: germline.
Comment: This variant has not been reported in the literature in individuals with MSH6-related conditions. This variant is not present in population databases (ExAC no frequency). This sequence change replaces serine with threonine at codon 459 of the MSH6 protein (p.Ser459Thr). The serine residue is moderately conserved and there is a small physicochemical difference between serine and threonine. Algorithms developed to predict the effect of missense changes on protein structure and function are either unavailable or do not agree on the potential impact of this missense change (SIFT: "Tolerated"; PolyPhen-2: "Probably Damaging"; Align-GVGD: "Class C0"). In summary, the available evidence is currently insufficient to determine the role of this variant in disease. Therefore, it has been classified as a Variant of Uncertain Significance.

NM_000179.3(MSH6):c.1375T>A (p.Ser459Thr)

Gene: MSH6 (mutS homolog 6; plus strand). Cytogenetic location: 2p16.3.
Variant type: single nucleotide variant.
Coding change: c.1375T>A on transcript NM_000179.3 (MANE Select); coding-DNA position 1375, T replaced by A.
Protein change: p.Ser459Thr; replaces serine 459 with threonine.
Molecular consequence: missense variant.
Genome position (GRCh38, 1-based): chr2:47,799,358, T>A. VCF-style: chr2-47799358-T-A. GRCh37 (hg19) VCF-style: chr2-48026497-T-A.
Other names: c.985T>A, p.Ser329Thr (NM_001281492.2); c.469T>A, p.Ser157Thr (NM_001281493.2, NM_001281494.2); short protein forms S157T, S329T, S459T.
Identifiers: ClinVar variation 1510374 (VCV001510374.8), dbSNP rs2104339863, ClinGen allele CA346744938.